The following is an entry in ClinVar:

NM_006231.4(POLE):c.6106G>A (p.Glu2036Lys)

Gene: POLE (DNA polymerase epsilon, catalytic subunit; minus strand). Cytogenetic location: 12q24.33.
Variant type: single nucleotide variant.
Coding change: c.6106G>A on transcript NM_006231.4 (MANE Select); coding-DNA position 6106, G replaced by A.
Protein change: p.Glu2036Lys; replaces glutamic acid 2036 with lysine.
Molecular consequence: missense variant.
Genome position (GRCh38, 1-based): chr12:132,632,694, C>T on the plus strand (G>A on the coding strand, the complement: POLE is on the minus strand). VCF-style: chr12-132632694-C-T. GRCh37 (hg19) VCF-style: chr12-133209280-C-T.
Other names: short protein forms E2036K.
Identifiers: ClinVar variation 571914 (VCV000571914.8), dbSNP rs1565927123, ClinGen allele CA387370403.

ClinVar aggregate classification (germline): Uncertain significance (1 of 4 stars; one submission).

Submission:

Labcorp Genetics (formerly Invitae), Labcorp
Classification: Uncertain significance. Last evaluated: 2018-05-30. Review status: criteria provided, single submitter. Criteria: Invitae Variant Classification Sherloc (09022015). Collection method: clinical testing. Allele origin: germline.
Comment: This sequence change replaces glutamic acid with lysine at codon 2036 of the POLE protein (p.Glu2036Lys). The glutamic acid residue is moderately conserved and there is a small physicochemical difference between glutamic acid and lysine. This variant is not present in population databases (ExAC no frequency). This variant has not been reported in the literature in individuals with POLE-related disease. Algorithms developed to predict the effect of missense changes on protein structure and function are either unavailable or do not agree on the potential impact of this missense change (SIFT: "Deleterious"; PolyPhen-2: "Benign"; Align-GVGD: "Class C0"). In summary, the available evidence is currently insufficient to determine the role of this variant in disease. Therefore, it has been classified as a Variant of Uncertain Significance.